The following is an entry in ClinVar:

ClinVar aggregate classification (germline): Uncertain significance (1 of 4 stars; one submission).

Allele frequency attached by ClinVar (database versions not stated): TOPMed below 0.00001; ExAC 0.00002; gnomAD exomes 0.00002.
gnomAD v4.1: 30 of 1,614,076 alleles (0.0019%); highest among the groups gnomAD compares: Non-Finnish European, 0.0025%; no homozygotes.

Submission:

Ambry Genetics
Classification: Uncertain significance. Last evaluated: 2023-02-20. Review status: criteria provided, single submitter. Criteria: Ambry Variant Classification Scheme 2023. Collection method: clinical testing. Allele origin: germline.
Comment: The p.S318R variant (also known as c.954C>G), located in coding exon 9 of the RAD54L gene, results from a C to G substitution at nucleotide position 954. The serine at codon 318 is replaced by arginine, an amino acid with dissimilar properties. This amino acid position is conserved. In addition, this alteration is predicted to be tolerated by in silico analysis. Since supporting evidence is limited at this time, the clinical significance of this alteration remains unclear.

NM_003579.4(RAD54L):c.954C>G (p.Ser318Arg)

Gene: RAD54L (RAD54 like; plus strand). Cytogenetic location: 1p34.1.
Variant type: single nucleotide variant.
Coding change: c.954C>G on transcript NM_003579.4 (MANE Select); coding-DNA position 954, C replaced by G.
Protein change: p.Ser318Arg; replaces serine 318 with arginine.
Molecular consequence: missense variant.
Genome position (GRCh38, 1-based): chr1:46,267,521, C>G. VCF-style: chr1-46267521-C-G. GRCh37 (hg19) VCF-style: chr1-46733193-C-G.
Other names: c.954C>G, p.Ser318Arg (NM_001142548.2); c.414C>G, p.Ser138Arg (NM_001370766.1); short protein forms S318R, S138R.
Identifiers: ClinVar variation 2463700 (VCV002463700.2), dbSNP rs760314792, ClinGen allele CA834429.